The following is an entry in ClinVar:

NM_001385125.1(OPN1SW):c.73A>G (p.Ile25Val)

Gene: OPN1SW (opsin 1, short wave sensitive; minus strand). Cytogenetic location: 7q32.1.
Variant type: single nucleotide variant.
Coding change: c.73A>G on transcript NM_001385125.1 (MANE Select); coding-DNA position 73, A replaced by G.
Protein change: p.Ile25Val; replaces isoleucine 25 with valine.
Molecular consequence: missense variant.
Genome position (GRCh38, 1-based): chr7:128,775,709, T>C on the plus strand (A>G on the coding strand, the complement: OPN1SW is on the minus strand). VCF-style: chr7-128775709-T-C. GRCh37 (hg19) VCF-style: chr7-128415763-T-C.
Other names: NM_001708.2:c.82A>G; short protein forms I25V.
Identifiers: ClinVar variation 1051477 (VCV001051477.10), dbSNP rs568669975, ClinGen allele CA4473064.

ClinVar aggregate classification (germline): Uncertain significance. Review status: criteria provided, multiple submitters, no conflicts (2 of 4 stars). 2 submissions from 2 submitters: Uncertain significance (2). Last evaluated 2025-05-07.

Allele frequency attached by ClinVar (database versions not stated): TOPMed below 0.00001; gnomAD 0.00001 and 0.00002; gnomAD exomes 0.00001 and 0.00004; ExAC 0.00004; 1000 Genomes Project 30x 0.00031; 1000 Genomes Project 0.00040.

Submissions (2):

Labcorp Genetics (formerly Invitae), Labcorp
Classification: Uncertain significance. Last evaluated: 2025-05-07. Review status: criteria provided, single submitter. Criteria: Invitae Variant Classification Sherloc (09022015). Collection method: clinical testing. Allele origin: germline.
Comment: This sequence change replaces isoleucine, which is neutral and non-polar, with valine, which is neutral and non-polar, at codon 28 of the OPN1SW protein (p.Ile28Val). This variant is present in population databases (rs568669975, gnomAD 0.06%). This variant has not been reported in the literature in individuals affected with OPN1SW-related conditions. ClinVar contains an entry for this variant (Variation ID: 1051477). An algorithm developed to predict the effect of missense changes on protein structure and function (PolyPhen-2) suggests that this variant is likely to be tolerated. In summary, the available evidence is currently insufficient to determine the role of this variant in disease. Therefore, it has been classified as a Variant of Uncertain Significance.

Ambry Genetics
Classification: Uncertain significance. Last evaluated: 2023-02-28. Review status: criteria provided, single submitter. Criteria: Ambry Variant Classification Scheme 2023. Collection method: clinical testing. Allele origin: germline.